The following is an entry in ClinVar:

ClinVar aggregate classification (germline): Uncertain significance (1 of 4 stars; one submission).

Conditions:
Familial thoracic aortic aneurysm and aortic dissection (TAAD). Also called: Thoracic aortic aneurysms and dissections. Identifiers: Orphanet 91387, MedGen C4707243, MONDO:0019625.

Allele frequency attached by ClinVar (database versions not stated): gnomAD exomes below 0.00001.
gnomAD v4.1: 2 of 1,614,138 alleles (0.00012%); highest among the groups gnomAD compares: Non-Finnish European, 0.00017%; no homozygotes.

Submission:

Color Diagnostics, LLC DBA Color Health
Classification: Uncertain significance for Familial thoracic aortic aneurysm and aortic dissection. Last evaluated: 2024-03-07. Review status: criteria provided, single submitter. Criteria: ACMG Guidelines, 2015. Collection method: clinical testing. Allele origin: germline.
Comment: This missense variant replaces serine with glycine at codon 2755 of the FBN1 protein. Computational prediction suggests that this variant may have deleterious impact on protein structure and function (internally defined REVEL score threshold >= 0.7, PMID: 27666373). To our knowledge, functional studies have not been reported for this variant. This variant has not been reported in individuals affected with cardiovascular disorders in the literature. This variant has not been identified in the general population by the Genome Aggregation Database (gnomAD). The available evidence is insufficient to determine the role of this variant in disease conclusively. Therefore, this variant is classified as a Variant of Uncertain Significance.

NM_000138.5(FBN1):c.8263A>G (p.Ser2755Gly)

Gene: FBN1 (fibrillin 1; minus strand). Cytogenetic location: 15q21.1.
Variant type: single nucleotide variant.
Coding change: c.8263A>G on transcript NM_000138.5 (MANE Select); coding-DNA position 8263, A replaced by G.
Protein change: p.Ser2755Gly; replaces serine 2755 with glycine.
Molecular consequence: missense variant.
Genome position (GRCh38, 1-based): chr15:48,411,343, T>C on the plus strand (A>G on the coding strand, the complement: FBN1 is on the minus strand). VCF-style: chr15-48411343-T-C. GRCh37 (hg19) VCF-style: chr15-48703540-T-C.
Other names: short protein forms S2755G.
Identifiers: ClinVar variation 1170974 (VCV001170974.3), dbSNP rs2141210090, ClinGen allele CA392320057.